The following is an entry in ClinVar:

NM_001244008.2(KIF1A):c.3586C>G (p.Pro1196Ala)

Gene: KIF1A (kinesin family member 1A; minus strand). Cytogenetic location: 2q37.3.
Variant type: single nucleotide variant.
Coding change: c.3586C>G on transcript NM_001244008.2 (MANE Select); coding-DNA position 3586, C replaced by G.
Protein change: p.Pro1196Ala; replaces proline 1196 with alanine.
Molecular consequence: missense variant.
Genome position (GRCh38, 1-based): chr2:240,742,983, G>C on the plus strand (C>G on the coding strand, the complement: KIF1A is on the minus strand). VCF-style: chr2-240742983-G-C. GRCh37 (hg19) VCF-style: chr2-241682400-G-C.
Other names: c.3310C>G, p.Pro1104Ala (NM_001320705.2, NM_001330289.2, NM_001379638.1); c.3385C>G, p.Pro1129Ala (NM_001330290.2, NM_001379634.1, NM_001379635.1 and 1 more transcripts); c.3661C>G, p.Pro1221Ala (NM_001379631.1); c.3535C>G, p.Pro1179Ala (NM_001379632.1); c.3559C>G, p.Pro1187Ala (NM_001379633.1, NM_001379642.1, NM_001379645.1); c.3283C>G, p.Pro1095Ala (NM_001379636.1, NM_001379639.1, NM_001379641.1 and 5 more transcripts); c.3358C>G, p.Pro1120Ala (NM_001379637.1, NM_001379648.1); c.3280C>G, p.Pro1094Ala (NM_001379640.1); short protein forms P1094A, P1095A, P1104A, P1120A, P1129A, P1179A, P1187A, P1196A.
Identifiers: ClinVar variation 3750118 (VCV003750118.2).

ClinVar aggregate classification (germline): Uncertain significance (1 of 4 stars; one submission).

Conditions:
Neuropathy, hereditary sensory, type 2C. Also called: KIF1A-Related HSAN2 (HSAN2C); Hereditary sensory and autonomic neuropathy type IIC. Identifiers: Orphanet 970, MedGen C3280168, MONDO:0013634, OMIM 614213.
Hereditary spastic paraplegia 30. Identifiers: Orphanet 101010, MedGen C5235139, MONDO:0012476.
Intellectual disability, autosomal dominant 9 (NESCAVS). Also called: KIF1A-Related Neurodevelopmental Disorder; NESCAV SYNDROME. Identifiers: Orphanet 662367, MedGen C5393830, MONDO:0013656, OMIM 614255.

Submission:

Labcorp Genetics (formerly Invitae), Labcorp
Classification: Uncertain significance for Hereditary spastic paraplegia 30; Neuropathy, hereditary sensory, type 2C; Intellectual disability, autosomal dominant 9. Last evaluated: 2024-08-20. Review status: criteria provided, single submitter. Criteria: Invitae Variant Classification Sherloc (09022015). Collection method: clinical testing. Allele origin: germline.
Comment: This sequence change replaces proline, which is neutral and non-polar, with alanine, which is neutral and non-polar, at codon 1095 of the KIF1A protein (p.Pro1095Ala). This variant is not present in population databases (gnomAD no frequency). This variant has not been reported in the literature in individuals affected with KIF1A-related conditions. An algorithm developed to predict the effect of missense changes on protein structure and function (PolyPhen-2) suggests that this variant is likely to be tolerated. In summary, the available evidence is currently insufficient to determine the role of this variant in disease. Therefore, it has been classified as a Variant of Uncertain Significance.